The following is an entry in ClinVar:

ClinVar aggregate classification (germline): Uncertain significance. Review status: reviewed by expert panel (3 of 4 stars). 5 submissions from 5 submitters: Uncertain significance (1). 4 of the submissions do not count toward it. Last evaluated 2025-12-10.

Conditions:
Deficiency of guanidinoacetate methyltransferase (CCDS2). Also called: GAMT DEFICIENCY; CEREBRAL CREATINE DEFICIENCY SYNDROME 2; Guanidinoacetate Methyltransferase (GAMT) Deficiency. Identifiers: Orphanet 382, MedGen C0574080, MONDO:0012999, OMIM 612736.
Cerebral creatine deficiency syndrome. Also called: Creatine deficiency syndromes. Identifiers: Orphanet 79172, MedGen C5244016, MONDO:0000456.

Submissions (5):

ClinGen Cerebral Creatine Deficiency Syndromes Variant Curation Expert Panel, ClinGen
Classification: Uncertain significance for Deficiency of guanidinoacetate methyltransferase. Last evaluated: 2025-12-10. Review status: reviewed by expert panel. Criteria: ClinGen CCDS ACMG Specifications GAMT V2.0.0. Collection method: curation. Allele origin: germline. Inheritance: Autosomal recessive inheritance.
Comment: The NM_000156.6:c.181G>A variant in GAMT is a missense variant that is predicted to cause the substitution of a glycine with an arginine at amino acid position 61 (p.Gly61Arg). This variant has been detected in at least two individuals with GAMT deficiency (PMID: 34015165, 35588794). These individuals were siblings who were compound heterozygous for the variant and a likely pathogenic variant, c.158_181+7del, which was confirmed in trans by parental testing (PMID: 34015165, 35588794) (PM3). At least one patient with this variant had elevated GAA and low creatine in plasma (PMID: 34015165, 35588794) (PP4). This variant is absent in gnomAD v4.1.0. (PM2_Supporting). The computational predictor REVEL gives a score of 0.747 which is in the range of 0.644-0.773, evidence that correlates with impact to GAMT function at the supporting level (PP3). There is a ClinVar entry for this variant (Variant ID: 1098275). In summary, this variant meets the criteria to be classified as a variant of uncertain significance for GAMT deficiency based on the GAMT-specific ACMG/AMP criteria applied, as specified by the ClinGen Cerebral Creatine Deficiency Syndromes Variant Curation Expert Panel (Specifications Version 2.0.0): PM2_Supporting, PM3, PP3, PP4. (Classification approved by the ClinGen Cerebral Creatine Deficiency Syndromes Variant Curation Expert Panel on December 10, 2025)

Women's Health and Genetics/Laboratory Corporation of America, LabCorp
Classification: Uncertain significance. Last evaluated: 2025-07-10. Review status: criteria provided, single submitter. Criteria: LabCorp Variant Classification Summary - May 2015. Collection method: clinical testing. Allele origin: germline. Not counted in ClinVar's aggregate classification.
Comment: Variant summary: GAMT c.181G>A (p.Gly61Arg) results in a non-conservative amino acid change in the encoded protein sequence. Algorithms developed to predict the effect of missense changes on protein structure and function all suggest that this variant is likely to be disruptive. Several computational tools predict a significant impact on normal splicing: Three predict the variant abolishes a canonical 5' splicing donor site and one predicts the variant weakens this site. The frequency data for this variant in gnomAD is considered unreliable, as metrics indicate poor data quality at this position. c.181G>A has been observed in individuals affected with Cerebral Creatine Deficiency Syndrome 2 (Zhai_2021, Shen_2022). These data indicate that the variant may be associated with disease. To our knowledge, no experimental evidence demonstrating an impact on protein function has been reported. The following publications have been ascertained in the context of this evaluation (PMID: 34015165, 35588794). ClinVar contains an entry for this variant (Variation ID: 1098275). Based on the evidence outlined above, the variant was classified as VUS-possibly pathogenic.

Natera, Inc.
Classification: Likely pathogenic for Guanidinoacetate methyltransferase deficiency. Last evaluated: 2025-02-19. Review status: criteria provided, single submitter. Criteria: Natera Variant Classification Schema (03/2026). Collection method: clinical testing. Allele origin: germline. Not counted in ClinVar's aggregate classification.
Comment: The c.181G>A variant in GAMT is a missense variant predicted to cause substitution of glycine to arginine at amino acid 61. This variant is rare in the general population with a frequency below the threshold expected for the associated phenotype(s). This variant has been observed in one or more individuals affected with the associated recessive disease, as either homozygous or compound heterozygous with a second variant (PMID: 35588794, 34015165). Additionally, this variant has been observed to segregate in affected family members (PMID: 34015165). Computational prediction algorithms indicate this variant is likely to affect gene or protein function. Given the available evidence, this variant is classified as Likely Pathogenic.

Labcorp Genetics (formerly Invitae), Labcorp
Classification: Likely pathogenic for Cerebral creatine deficiency syndrome. Last evaluated: 2022-11-25. Review status: criteria provided, single submitter. Criteria: Invitae Variant Classification Sherloc (09022015). Collection method: clinical testing. Allele origin: germline. Not counted in ClinVar's aggregate classification.
Comment: This variant is not present in population databases (gnomAD no frequency). In summary, the currently available evidence indicates that the variant is pathogenic, but additional data are needed to prove that conclusively. Therefore, this variant has been classified as Likely Pathogenic. Variants that disrupt the consensus splice site are a relatively common cause of aberrant splicing (PMID: 17576681, 9536098). Algorithms developed to predict the effect of sequence changes on RNA splicing suggest that this variant may disrupt the consensus splice site. Algorithms developed to predict the effect of missense changes on protein structure and function are either unavailable or do not agree on the potential impact of this missense change (SIFT: "Deleterious"; PolyPhen-2: "Probably Damaging"; Align-GVGD: "Class C0"). ClinVar contains an entry for this variant (Variation ID: 1098275). This missense change has been observed in individual(s) with cerebral creatine deficiency syndrome (PMID: 34015165). In at least one individual the data is consistent with being in trans (on the opposite chromosome) from a pathogenic variant. It has also been observed to segregate with disease in related individuals. This sequence change replaces glycine, which is neutral and non-polar, with arginine, which is basic and polar, at codon 61 of the GAMT protein (p.Gly61Arg). This variant also falls at the last nucleotide of exon 1, which is part of the consensus splice site for this exon.

Genetics and Prenatal Diagnosis Center, The First Affiliated Hospital of Zhengzhou University
Classification: Likely pathogenic for Deficiency of guanidinoacetate methyltransferase. Last evaluated: 2021-05-13. Review status: criteria provided, single submitter. Criteria: ACMG Guidelines, 2015. Collection method: clinical testing. Allele origin: germline. Affected: yes. Not counted in ClinVar's aggregate classification.

Literature cited by the submitters: PubMed 34015165 (cited by 3 submitters); PubMed 35588794 (cited by Women's Health and Genetics/Laboratory Corporation of America, LabCorp and Natera, Inc.); PubMed 17576681 (cited by Labcorp Genetics (formerly Invitae), Labcorp); PubMed 9536098 (cited by Labcorp Genetics (formerly Invitae), Labcorp).

NM_000156.6(GAMT):c.181G>A (p.Gly61Arg)

Genes: GAMT (guanidinoacetate N-methyltransferase; minus strand), LOC130062945 (ATAC-STARR-seq lymphoblastoid silent region 9707; plus strand). Cytogenetic location: 19p13.3.
Variant type: single nucleotide variant.
Coding change: c.181G>A on transcript NM_000156.6 (MANE Select); coding-DNA position 181, G replaced by A.
Protein change: p.Gly61Arg; replaces glycine 61 with arginine.
Molecular consequence: missense variant.
Genome position (GRCh38, 1-based): chr19:1,401,296, C>T on the plus strand (G>A on the coding strand, the complement: GAMT is on the minus strand). VCF-style: chr19-1401296-C-T. GRCh37 (hg19) VCF-style: chr19-1401295-C-T.
Other names: NM_000156.6(GAMT):c.181G>A; p.Gly61Arg; c.181G>A, p.Gly61Arg (NM_138924.3); c.181G>A (NM_000156.5); short protein forms G61R.
Identifiers: ClinVar variation 1098275 (VCV001098275.6), dbSNP rs1300512258, ClinGen allele CA402997969.